The following is an entry in ClinVar:

NM_017636.4(TRPM4):c.2210G>C (p.Gly737Ala)

Gene: TRPM4 (transient receptor potential cation channel subfamily M member 4; plus strand). Cytogenetic location: 19q13.33.
Variant type: single nucleotide variant.
Coding change: c.2210G>C on transcript NM_017636.4 (MANE Select); coding-DNA position 2210, G replaced by C.
Protein change: p.Gly737Ala; replaces glycine 737 with alanine.
Molecular consequence: missense variant.
Genome position (GRCh38, 1-based): chr19:49,190,773, G>C. VCF-style: chr19-49190773-G-C. GRCh37 (hg19) VCF-style: chr19-49694030-G-C.
Other names: c.2210G>C, p.Gly737Ala (NM_001195227.2); c.1865G>C, p.Gly622Ala (NM_001321281.2); c.602G>C, p.Gly201Ala (NM_001321282.2); c.1688G>C, p.Gly563Ala (NM_001321283.2); c.1148G>C, p.Gly383Ala (NM_001321285.2); short protein forms G383A, G622A, G737A, G201A, G563A.
Identifiers: ClinVar variation 4753785 (VCV004753785.1).
Genomic context (GRCh38, chr19:49,190,773, plus strand): 5'-CCACACGGGAGGAGCTAGAGTTTGACATGGATAGTGTCATTAATGGGGAAGGGCCTGTCG[G>C]GTGAGTGGAGCCTCCAGCACTGTGTGAGGTGGGGACACCCTGGGCAGTTCAGGACATGTG-3'
Protein context (NP_060106.2, residues 727-747): DSVINGEGPV[Gly737Ala]TADPAEKTPL

ClinVar aggregate classification (germline): Uncertain significance (1 of 4 stars; one submission).

Conditions:
Progressive familial heart block type IB (PFHB1B). Identifiers: Orphanet 871, MedGen C1970298, MONDO:0011474, OMIM 604559.

Submission:

Labcorp Genetics (formerly Invitae), Labcorp
Classification: Uncertain significance for Progressive familial heart block type IB. Last evaluated: 2025-11-12. Review status: criteria provided, single submitter. Criteria: Invitae Variant Classification Sherloc (09022015). Collection method: clinical testing. Allele origin: germline.
Comment: This sequence change replaces glycine, which is neutral and non-polar, with alanine, which is neutral and non-polar, at codon 737 of the TRPM4 protein (p.Gly737Ala). This variant also falls at the last nucleotide of exon 16, which is part of the consensus splice site for this exon. This variant is not present in population databases (gnomAD no frequency). This variant has not been reported in the literature in individuals affected with TRPM4-related conditions. An algorithm developed to predict the effect of missense changes on protein structure and function (PolyPhen-2) suggests that this variant is likely to be tolerated. Variants that disrupt the consensus splice site are a relatively common cause of aberrant splicing (PMID: 17576681, 9536098). Algorithms developed to predict the effect of sequence changes on RNA splicing suggest that this variant may disrupt the consensus splice site. In summary, the available evidence is currently insufficient to determine the role of this variant in disease. Therefore, it has been classified as a Variant of Uncertain Significance.

Literature cited by the submitters: PubMed 17576681; PubMed 9536098.